The following is an entry in ClinVar:

NM_003638.3(ITGA8):c.1728A>G (p.Lys576=)

Gene: ITGA8 (integrin subunit alpha 8; minus strand). Cytogenetic location: 10p13.
Variant type: single nucleotide variant.
Coding change: c.1728A>G on transcript NM_003638.3 (MANE Select); coding-DNA position 1728, A replaced by G.
Protein change: p.Lys576=; no amino-acid change (lysine 576 retained).
Molecular consequence: synonymous variant.
Genome position (GRCh38, 1-based): chr10:15,607,713, T>C on the plus strand (A>G on the coding strand, the complement: ITGA8 is on the minus strand). VCF-style: chr10-15607713-T-C. GRCh37 (hg19) VCF-style: chr10-15649712-T-C.
Other names: p.Lys576=; c.1683A>G, p.Lys561= (NM_001291494.2).
Identifiers: ClinVar variation 3042645 (VCV003042645.4), dbSNP rs148174192, ClinGen allele CA5420099.

ClinVar aggregate classification (germline): Benign/Likely benign. Review status: criteria provided, multiple submitters, no conflicts (2 of 4 stars). 3 submissions from 3 submitters: Benign (1); Likely benign (1). 1 of the submissions does not count toward it. Last evaluated 2025-10-15.

Conditions:
ITGA8-related disorder. Also called: ITGA8-related condition.

Allele frequency attached by ClinVar (database versions not stated): gnomAD exomes 0.00006; ExAC 0.00017; 1000 Genomes Project 0.00040; gnomAD 0.00042; 1000 Genomes Project 30x 0.00047; ESP Exome Variant Server 0.00054.
gnomAD v4.1: 152 of 1,613,938 alleles (0.0094%); highest among the groups gnomAD compares: African/African-American, 0.18%; no homozygotes.

Submissions (3):

Mayo Clinic Laboratories, Mayo Clinic
Classification: Likely benign. Last evaluated: 2025-10-15. Review status: criteria provided, single submitter. Criteria: ACMG Guidelines, 2015. Collection method: clinical testing. Allele origin: germline. Observed: 1 variant allele.
Comment: BS1, BP4, BP7

Labcorp Genetics (formerly Invitae), Labcorp
Classification: Benign. Last evaluated: 2025-06-12. Review status: criteria provided, single submitter. Criteria: Invitae Variant Classification Sherloc (09022015). Collection method: clinical testing. Allele origin: germline.

PreventionGenetics, part of Exact Sciences
Classification: Likely benign for ITGA8-related condition. Last evaluated: 2019-03-26. Review status: no assertion criteria provided. Collection method: clinical testing. Allele origin: germline. Not counted in ClinVar's aggregate classification.
Comment: This variant is classified as likely benign based on ACMG/AMP sequence variant interpretation guidelines (Richards et al. 2015 PMID: 25741868, with internal and published modifications).